The following is an entry in ClinVar:

ClinVar aggregate classification (germline): Uncertain significance (1 of 4 stars; one submission).

Allele frequency attached by ClinVar (database versions not stated): gnomAD exomes 0.00003; ExAC 0.00005; ESP Exome Variant Server 0.00008; gnomAD 0.00010; TOPMed 0.00010.

Submission:

Labcorp Genetics (formerly Invitae), Labcorp
Classification: Uncertain significance. Last evaluated: 2025-10-20. Review status: criteria provided, single submitter. Criteria: Invitae Variant Classification Sherloc (09022015). Collection method: clinical testing. Allele origin: germline.
Comment: This sequence change replaces glycine, which is neutral and non-polar, with aspartic acid, which is acidic and polar, at codon 201 of the CLCN6 protein (p.Gly201Asp). This variant is present in population databases (rs149647864, gnomAD 0.03%). This variant has not been reported in the literature in individuals affected with CLCN6-related conditions. ClinVar contains an entry for this variant (Variation ID: 1512996). An algorithm developed to predict the effect of missense changes on protein structure and function (PolyPhen-2) suggests that this variant is likely to be tolerated. In summary, the available evidence is currently insufficient to determine the role of this variant in disease. Therefore, it has been classified as a Variant of Uncertain Significance.

NM_001286.5(CLCN6):c.602G>A (p.Gly201Asp)

Gene: CLCN6 (chloride voltage-gated channel 6; plus strand). Cytogenetic location: 1p36.22.
Variant type: single nucleotide variant.
Coding change: c.602G>A on transcript NM_001286.5 (MANE Select); coding-DNA position 602, G replaced by A.
Protein change: p.Gly201Asp; replaces glycine 201 with aspartic acid.
Molecular consequence: missense variant. On other transcripts: non-coding transcript variant (1).
Genome position (GRCh38, 1-based): chr1:11,824,507, G>A. VCF-style: chr1-11824507-G-A. GRCh37 (hg19) VCF-style: chr1-11884564-G-A.
Other names: c.536G>A, p.Gly179Asp (NM_001256959.2); short protein forms G201D, G179D.
Identifiers: ClinVar variation 1512996 (VCV001512996.6), dbSNP rs149647864, ClinGen allele CA596158.